The following is an entry in ClinVar:

NM_014780.5(CUL7):c.4295-6_4313del

Gene: CUL7 (cullin 7; minus strand). Cytogenetic location: 6p21.1.
Variant type: Deletion.
Coding change: c.4295-6_4313del on transcript NM_014780.5 (MANE Select); 6 bases into the intron before coding-DNA position 4295 through coding-DNA position 4313, 25 bases deleted (GTCCAGGTCAGAGCCACCCTGCCCT).
Molecular consequence: splice acceptor variant.
Genome position (GRCh38, 1-based): chr6:43,038,969-43,038,993, AGGGCAGGGTGGCTCTGACCTGGAC deleted on the plus strand (GTCCAGGTCAGAGCCACCCTGCCCT on the coding strand, the reverse complement: CUL7 is on the minus strand). VCF-style (leftmost placement, unchanged base first): chr6-43038968-AAGGGCAGGGTGGCTCTGACCTGGAC-A. GRCh37 (hg19) VCF-style: chr6-43006706-AAGGGCAGGGTGGCTCTGACCTGGAC-A.
Other names: c.4391-6_4409del (NM_001168370.2, NM_001374872.1); c.4292-6_4310del (NM_001374874.1); c.4295-6_4313del (NM_001374873.1).
Identifiers: ClinVar variation 4539829 (VCV004539829.1).

ClinVar aggregate classification (germline): Pathogenic (1 of 4 stars; one submission).

Conditions:
3M syndrome 1. Also called: 3-M Syndrome, CUL7-Related. Identifiers: Orphanet 2616, MedGen C2678312, MONDO:0010117, OMIM 273750.

Submission:

Medical Genetics and Prenatal Diagnosis Center, Guangxi Academy of Medical Sciences and the People’s Hospital of Guangxi Zhuang Autonomous Region
Classification: Pathogenic for 3M syndrome 1. Review status: criteria provided, single submitter. Criteria: ACMG Guidelines, 2015. Collection method: clinical testing. Allele origin: maternal. Affected: yes.
Comment: NM_014780.5(CUL7):c.4295-6_4313del is a deletion mutation in the splicing region predicted to affect gene function. This variant is located in the canonical splice site region and is predicted to disrupt normal mRNA splicing (PVS1); In summary, based on the evidence presented and in accordance with the ACMG Guidelines, 2015 (PMID: 25741868), the above evidence supports this variant as Pathogenic for 3-M syndrome type 1, classified as PVS1, PM3, and PM2_Supporting.